The following is an entry in ClinVar:

NM_004656.4(BAP1):c.1358A>G (p.Lys453Arg)

Gene: BAP1 (BRCA1 associated deubiquitinase 1; minus strand). Cytogenetic location: 3p21.1.
Variant type: single nucleotide variant.
Coding change: c.1358A>G on transcript NM_004656.4 (MANE Select); coding-DNA position 1358, A replaced by G.
Protein change: p.Lys453Arg; replaces lysine 453 with arginine.
Molecular consequence: missense variant.
Genome position (GRCh38, 1-based): chr3:52,403,787, T>C on the plus strand (A>G on the coding strand, the complement: BAP1 is on the minus strand). VCF-style: chr3-52403787-T-C. GRCh37 (hg19) VCF-style: chr3-52437803-T-C.
Other names: c.1358A>G (LRG_529t1); short protein forms K453R.
Identifiers: ClinVar variation 489614 (VCV000489614.22), dbSNP rs758996824, ClinGen allele CA2436816.
Genomic context (GRCh38, chr3:52,403,787, plus strand): 5'-CTCCCAGCCCCGCTGCTAGTCTTGATGGACAGAGGAATTGAGAGGTCCTTCTGGGACTCT[T>C]TGAGCTTCTCAGCCAAGACGTTGATGGTGTTGGGCTGCAGCACTGACAGTTGCCCATCAG-3'
Protein context (NP_004647.1, residues 443-463): NTINVLAEKL[Lys453Arg]ESQKDLSIPL

ClinVar aggregate classification (germline): Conflicting classifications of pathogenicity. Review status: criteria provided, conflicting classifications (1 of 4 stars). 6 submissions from 6 submitters: Uncertain significance (4); Likely benign (2). Last evaluated 2026-01-05.

Conditions:
Hereditary cancer-predisposing syndrome. Also called: Tumor predisposition; Hereditary neoplastic syndrome; Neoplastic Syndromes, Hereditary; Hereditary Cancer Syndrome. Identifiers: Orphanet 140162, MedGen C0027672, MeSH D009386, MONDO:0015356.
BAP1-related tumor predisposition syndrome (TPDS1). Also called: Tumor susceptibility linked to germline BAP1 mutations; TUMOR PREDISPOSITION SYNDROME 1; BAP1 tumor predisposition syndrome; COMMON Syndrome. Identifiers: Orphanet 289539, MedGen C3280492, MONDO:0013692, OMIM 614327.

Allele frequency attached by ClinVar (database versions not stated): ExAC 0.00002; gnomAD 0.00001; gnomAD exomes 0.00001 and 0.00002; TOPMed 0.00002.
gnomAD v4.1: 18 of 1,613,940 alleles (0.0011%); highest among the groups gnomAD compares: Admixed American, 0.0033%; no homozygotes.

Submissions (6):

Labcorp Genetics (formerly Invitae), Labcorp
Classification: Uncertain significance for BAP1-related tumor predisposition syndrome. Last evaluated: 2026-01-05. Review status: criteria provided, single submitter. Criteria: Invitae Variant Classification Sherloc (09022015). Collection method: clinical testing. Allele origin: germline.
Comment: This sequence change replaces lysine, which is basic and polar, with arginine, which is basic and polar, at codon 453 of the BAP1 protein (p.Lys453Arg). This variant is present in population databases (rs758996824, gnomAD 0.007%). This variant has not been reported in the literature in individuals affected with BAP1-related conditions. ClinVar contains an entry for this variant (Variation ID: 489614). Invitae Evidence Modeling of protein sequence and biophysical properties (such as structural, functional, and spatial information, amino acid conservation, physicochemical variation, residue mobility, and thermodynamic stability) indicates that this missense variant is not expected to disrupt BAP1 protein function with a negative predictive value of 80%. In summary, the available evidence is currently insufficient to determine the role of this variant in disease. Therefore, it has been classified as a Variant of Uncertain Significance.

Dasa
Classification: Uncertain significance. Last evaluated: 2025-12-19. Review status: criteria provided, single submitter. Criteria: DASA Assertion Criteria. Collection method: clinical testing. Allele origin: germline.
Comment: NM_004656.4(BAP1):c.1358A>G (p.Lys453Arg) is a missense variant that results in the substitution of lysine with arginine. This variant is rare in population databases. Computational prediction algorithms are consistent with a benign effect. The currently available literature and clinical evidence are not sufficient to establish a definitive association between this variant and the reported condition. Therefore, this variant is classified as a variant of uncertain significance.

Color Diagnostics, LLC DBA Color Health
Classification: Uncertain significance for Hereditary cancer-predisposing syndrome. Last evaluated: 2024-11-27. Review status: criteria provided, single submitter. Criteria: ACMG Guidelines, 2015. Collection method: clinical testing. Allele origin: germline.
Comment: This missense variant replaces lysine with arginine at codon 453 of the BAP1 protein. Computational prediction suggests that this variant may not impact protein structure and function. To our knowledge, functional studies have not been reported for this variant. This variant has not been reported in individuals affected with BAP1-related disorders in the literature. This variant has been identified in 4/251394 chromosomes in the general population by the Genome Aggregation Database (gnomAD). The available evidence is insufficient to determine the role of this variant in disease conclusively. Therefore, this variant is classified as a Variant of Uncertain Significance.

Myriad Genetics, Inc.
Classification: Likely benign for BAP1-related tumor predisposition syndrome. Last evaluated: 2024-07-16. Review status: criteria provided, single submitter. Criteria: Myriad Autosomal Dominant, Autosomal Recessive and X-Linked Classification Criteria (2023). Collection method: clinical testing. Allele origin: unknown.
Comment: This variant is considered likely benign. This variant has been observed at a population frequency that is significantly greater than expected given the associated disease prevalence and penetrance.

Ambry Genetics
Classification: Likely benign for Hereditary cancer-predisposing syndrome. Last evaluated: 2024-07-02. Review status: criteria provided, single submitter. Criteria: Ambry Variant Classification Scheme 2023. Collection method: clinical testing. Allele origin: germline.

Baylor Genetics
Classification: Uncertain significance for BAP1-related tumor predisposition syndrome. Last evaluated: 2023-11-08. Review status: criteria provided, single submitter. Criteria: ACMG Guidelines, 2015. Collection method: clinical testing. Allele origin: unknown.